The following is an entry in ClinVar:

ClinVar aggregate classification (germline): Conflicting classifications of pathogenicity. Review status: criteria provided, conflicting classifications (1 of 4 stars). 5 submissions from 5 submitters: Pathogenic (2); Uncertain significance (3). Last evaluated 2024-02-13.

Conditions:
Hyperkalemic periodic paralysis. Also called: Familial hyperkalemic periodic paralysis; Gamstorp disease. Identifiers: Orphanet 682, MedGen C0238357, MONDO:0008224, OMIM 170500, HP:0007215.

Allele frequency attached by ClinVar (database versions not stated): gnomAD exomes below 0.00001.
gnomAD v4.1: 1 of 1,410,138 alleles (0.000071%); highest among the groups gnomAD compares: Non-Finnish European, 0.000095%; no homozygotes.

Submissions (5):

GeneDx
Classification: Pathogenic. Last evaluated: 2024-02-13. Review status: criteria provided, single submitter. Criteria: GeneDx Variant Classification Process June 2021. Collection method: clinical testing. Allele origin: germline. Affected: yes.
Comment: Published functional studies demonstrate a damaging effect as channel activation was altered (PMID: 32411069); In silico analysis supports that this missense variant has a deleterious effect on protein structure/function; Not observed in large population cohorts (gnomAD); This variant is associated with the following publications: (PMID: 32849172, 33325393, 32411069)

Labcorp Genetics (formerly Invitae), Labcorp
Classification: Pathogenic for Hyperkalemic periodic paralysis. Last evaluated: 2022-03-11. Review status: criteria provided, single submitter. Criteria: Invitae Variant Classification Sherloc (09022015). Collection method: clinical testing. Allele origin: germline.
Comment: For these reasons, this variant has been classified as Pathogenic. Experimental studies have shown that this missense change affects SCN4A function (PMID: 32411069). Algorithms developed to predict the effect of missense changes on protein structure and function are either unavailable or do not agree on the potential impact of this missense change (SIFT: "Deleterious"; PolyPhen-2: "Benign"; Align-GVGD: "Class C25"). ClinVar contains an entry for this variant (Variation ID: 432742). This missense change has been observed in individuals with myotonia (PMID: 32411069, 32849172). It has also been observed to segregate with disease in related individuals. This variant is not present in population databases (gnomAD no frequency). This sequence change replaces isoleucine, which is neutral and non-polar, with threonine, which is neutral and polar, at codon 215 of the SCN4A protein (p.Ile215Thr).

Revvity Omics, Revvity
Classification: Uncertain significance. Last evaluated: 2019-08-19. Review status: criteria provided, single submitter. Criteria: ACMG Guidelines, 2015. Collection method: clinical testing. Allele origin: germline.

Athena Diagnostics
Classification: Uncertain significance. Last evaluated: 2017-06-15. Review status: criteria provided, single submitter. Criteria: Athena Diagnostics Criteria. Collection method: clinical testing. Allele origin: germline.

CeGaT Center for Human Genetics Tuebingen
Classification: Uncertain significance. Last evaluated: 2017-03-01. Review status: criteria provided, single submitter. Criteria: CeGaT Center For Human Genetics Tuebingen Variant Classification Criteria Version 2. Collection method: clinical testing. Allele origin: germline. Affected: yes. Observed: 1 variant allele.

Literature cited by the submitters: PubMed 32411069 (cited by Labcorp Genetics (formerly Invitae), Labcorp); PubMed 32849172 (cited by Labcorp Genetics (formerly Invitae), Labcorp).

NM_000334.4(SCN4A):c.644T>C (p.Ile215Thr)

Gene: SCN4A (sodium voltage-gated channel alpha subunit 4; minus strand). Cytogenetic location: 17q23.3.
Variant type: single nucleotide variant.
Coding change: c.644T>C on transcript NM_000334.4 (MANE Select); coding-DNA position 644, T replaced by C.
Protein change: p.Ile215Thr; replaces isoleucine 215 with threonine.
Molecular consequence: missense variant.
Genome position (GRCh38, 1-based): chr17:63,971,221, A>G on the plus strand (T>C on the coding strand, the complement: SCN4A is on the minus strand). VCF-style: chr17-63971221-A-G. GRCh37 (hg19) VCF-style: chr17-62048581-A-G.
Other names: short protein forms I215T.
Identifiers: ClinVar variation 432742 (VCV000432742.53), dbSNP rs1555604867, ClinGen allele CA400638301.